The following is an entry in ClinVar:

NM_001077525.3(MTMR14):c.167G>A (p.Arg56His)

Gene: MTMR14 (myotubularin related protein 14; plus strand). Cytogenetic location: 3p25.3.
Variant type: single nucleotide variant.
Coding change: c.167G>A on transcript NM_001077525.3 (MANE Select); coding-DNA position 167, G replaced by A.
Protein change: p.Arg56His; replaces arginine 56 with histidine.
Molecular consequence: missense variant. On other transcripts: 5 prime UTR variant (14), non-coding transcript variant (8), intron variant (6).
Genome position (GRCh38, 1-based): chr3:9,653,628, G>A. VCF-style: chr3-9653628-G-A. GRCh37 (hg19) VCF-style: chr3-9695312-G-A.
Other names: c.167G>A, p.Arg56His (NM_001077526.3, NM_001400519.1, NM_001400520.1 and 9 more transcripts); c.236G>A, p.Arg79His (NM_001400518.1, NM_001400521.1, NM_001400526.1); c.-339G>A (NM_001400533.1, NM_001400539.1, NM_001400545.1); c.-400G>A (NM_001400534.1, NM_001400538.1, NM_001400541.1 and 3 more transcripts); c.-367G>A (NM_001400540.1); c.-412G>A (NM_001400544.1); c.-549G>A (NM_001400547.1); c.-473G>A (NM_001400548.1); and 4 more; short protein forms R56H, R79H.
Identifiers: ClinVar variation 2720325 (VCV002720325.3), dbSNP rs544683917, ClinGen allele CA2240189.
Genomic context (GRCh38, chr3:9,653,628, plus strand): 5'-CACCCTCAGAACCCCAGAATTCTCTTTGTGTTCTGGTCTCCTTCTCTGTGCAGGTTGAGC[G>A]CATTGAGAAGAGATGTCTGGAGCTGTTTGGCCGAGACTACTGTTTCAGCGTGATTCCAAA-3'
Protein context (NP_001070993.1, residues 46-66): GSGTGGSKVE[Arg56His]IEKRCLELFG

ClinVar aggregate classification (germline): Uncertain significance (1 of 4 stars; one submission).

Allele frequency attached by ClinVar (database versions not stated): gnomAD 0.00001; gnomAD exomes 0.00002; 1000 Genomes Project 30x 0.00016; 1000 Genomes Project 0.00020.
gnomAD v4.1: 27 of 1,614,074 alleles (0.0017%); highest among the groups gnomAD compares: East Asian, 0.025%; no homozygotes.

Submission:

Labcorp Genetics (formerly Invitae), Labcorp
Classification: Uncertain significance. Last evaluated: 2025-10-18. Review status: criteria provided, single submitter. Criteria: Invitae Variant Classification Sherloc (09022015). Collection method: clinical testing. Allele origin: germline.
Comment: This sequence change replaces arginine, which is basic and polar, with histidine, which is basic and polar, at codon 56 of the MTMR14 protein (p.Arg56His). This variant is present in population databases (rs544683917, gnomAD 0.03%). This variant has not been reported in the literature in individuals affected with MTMR14-related conditions. ClinVar contains an entry for this variant (Variation ID: 2720325). Invitae Evidence Modeling of protein sequence and biophysical properties (such as structural, functional, and spatial information, amino acid conservation, physicochemical variation, residue mobility, and thermodynamic stability) indicates that this missense variant is not expected to disrupt MTMR14 protein function with a negative predictive value of 80%. In summary, the available evidence is currently insufficient to determine the role of this variant in disease. Therefore, it has been classified as a Variant of Uncertain Significance.